The following is an entry in ClinVar:

NM_001165963.4(SCN1A):c.249C>A (p.Tyr83Ter)

Gene: SCN1A (sodium voltage-gated channel alpha subunit 1; minus strand). Cytogenetic location: 2q24.3.
Variant type: single nucleotide variant.
Coding change: c.249C>A on transcript NM_001165963.4 (MANE Select); coding-DNA position 249, C replaced by A.
Protein change: p.Tyr83Ter; replaces tyrosine 83 with a stop codon.
Molecular consequence: nonsense. On other transcripts: 5 prime UTR variant (1), non-coding transcript variant (1).
Genome position (GRCh38, 1-based): chr2:166,073,373, G>T on the plus strand (C>A on the coding strand, the complement: SCN1A is on the minus strand). VCF-style: chr2-166073373-G-T. GRCh37 (hg19) VCF-style: chr2-166929883-G-T.
Other names: c.249C>A, p.Tyr83Ter (NM_001202435.3, NM_001165964.3, NM_001353948.2 and 10 more transcripts); c.-2177C>A (NM_001353961.2); short protein forms Y83*.
Identifiers: ClinVar variation 217241 (VCV000217241.5), dbSNP rs863225031, ClinGen allele CA325464.
Genomic context (GRCh38, chr2:166,073,373, plus strand): 5'-CAGTAGGCAATTAGCAGCAAAATATGCCTGATAAAAAACACTCACTTTCTTATTGATATA[G>T]TAGGGGTCCAGGTCCTCCAGGGGCTCTGACACCATCTCTGGAGGAATGTCTCCATAAATA-3'

ClinVar aggregate classification (germline): Pathogenic. Review status: criteria provided, multiple submitters, no conflicts (2 of 4 stars). 3 submissions from 3 submitters: Pathogenic (3). Last evaluated 2023-05-13.

Conditions:
Early-infantile DEE. Also called: Early infantile epileptic encephalopathy with suppression bursts; Early infantile epileptic encephalopathy; Ohtahara syndrome. Identifiers: Orphanet 1934, MedGen C0393706, MONDO:0800491.
Severe myoclonic epilepsy in infancy (DRVT). Also called: Epileptic encephalopathy, early infantile, 6 (Dravet syndrome); Severe Myoclonic Epilepsy in Infancy (SMEI); Dravet syndrome; SEVERE MYOCLONIC EPILEPSY OF INFANCY; DEVELOPMENTAL AND EPILEPTIC ENCEPHALOPATHY 6A. Identifiers: Orphanet 33069, MedGen C0751122, MONDO:0100135, OMIM 607208.

Submissions (3):

Labcorp Genetics (formerly Invitae), Labcorp
Classification: Pathogenic for Early-infantile DEE. Last evaluated: 2023-05-13. Review status: criteria provided, single submitter. Criteria: Invitae Variant Classification Sherloc (09022015). Collection method: clinical testing. Allele origin: germline.
Comment: This premature translational stop signal has been observed in individual(s) with a clinical and/or suspected diagnosis of Dravet syndrome (PMID: 12821740, 21248271). In at least one individual the variant was observed to be de novo. For these reasons, this variant has been classified as Pathogenic. ClinVar contains an entry for this variant (Variation ID: 217241). This variant is not present in population databases (gnomAD no frequency). This sequence change creates a premature translational stop signal (p.Tyr83*) in the SCN1A gene. It is expected to result in an absent or disrupted protein product. Loss-of-function variants in SCN1A are known to be pathogenic (PMID: 17347258, 18930999).

Institute of Human Genetics, University of Leipzig Medical Center
Classification: Pathogenic for Severe myoclonic epilepsy in infancy. Last evaluated: 2022-11-23. Review status: criteria provided, single submitter. Criteria: ACMG Guidelines, 2015. Collection method: clinical testing. Allele origin: unknown. Affected: yes.
Comment: _x000D_ Criteria applied: PVS1, PS4_SUP, PM2_SUP

Athena Diagnostics
Classification: Pathogenic for Severe myoclonic epilepsy in infancy. Last evaluated: 2015-08-13. Review status: criteria provided, single submitter. Criteria: Athena Diagnostics Criteria. Collection method: clinical testing. Allele origin: germline. Inheritance: Autosomal dominant inheritance.

Literature cited by the submitters: PubMed 12821740 (cited by Labcorp Genetics (formerly Invitae), Labcorp); PubMed 21248271 (cited by Labcorp Genetics (formerly Invitae), Labcorp and Athena Diagnostics); PubMed 17347258 (cited by Labcorp Genetics (formerly Invitae), Labcorp); PubMed 18930999 (cited by Labcorp Genetics (formerly Invitae), Labcorp).